The following is an entry in ClinVar:

ClinVar aggregate classification (germline): Likely benign. Review status: criteria provided, multiple submitters, no conflicts (2 of 4 stars). 3 submissions from 3 submitters: Likely benign (3). Last evaluated 2026-05-06.

Conditions:
RHO-related disorder. Also called: RHO-related condition.

Allele frequency attached by ClinVar (database versions not stated): gnomAD exomes 0.00007; ExAC 0.00008; ESP Exome Variant Server 0.00008.
gnomAD v4.1: 92 of 1,614,122 alleles (0.0057%); highest among the groups gnomAD compares: South Asian, 0.012%; no homozygotes.

Submissions (3):

PreventionGenetics, part of Exact Sciences
Classification: Likely benign for RHO-related condition. Last evaluated: 2026-05-06. Review status: criteria provided, single submitter. Criteria: ACMG Guidelines, 2015. Collection method: clinical testing. Allele origin: germline.
Comment: This variant is classified as likely benign based on ACMG/AMP sequence variant interpretation guidelines (Richards et al. 2015 PMID: 25741868, with internal and published modifications).

Labcorp Genetics (formerly Invitae), Labcorp
Classification: Likely benign. Last evaluated: 2025-06-10. Review status: criteria provided, single submitter. Criteria: Invitae Variant Classification Sherloc (09022015). Collection method: clinical testing. Allele origin: germline.

Blueprint Genetics
Classification: Likely benign. Last evaluated: 2023-05-26. Review status: criteria provided, single submitter. Criteria: ACMG Guidelines, 2015. Collection method: clinical testing. Allele origin: germline.

NM_000539.3(RHO):c.408C>T (p.Tyr136=)

Gene: RHO (rhodopsin; plus strand). Cytogenetic location: 3q22.1.
Variant type: single nucleotide variant.
Coding change: c.408C>T on transcript NM_000539.3 (MANE Select); coding-DNA position 408, C replaced by T.
Protein change: p.Tyr136=; no amino-acid change (tyrosine 136 retained).
Molecular consequence: synonymous variant.
Genome position (GRCh38, 1-based): chr3:129,530,922, C>T. VCF-style: chr3-129530922-C-T. GRCh37 (hg19) VCF-style: chr3-129249765-C-T.
Identifiers: ClinVar variation 1078775 (VCV001078775.12), dbSNP rs200248198, ClinGen allele CA2607153.